The following is an entry in ClinVar:

NM_001244008.2(KIF1A):c.1848G>A (p.Thr616=)

Gene: KIF1A (kinesin family member 1A; minus strand). Cytogenetic location: 2q37.3.
Variant type: single nucleotide variant.
Coding change: c.1848G>A on transcript NM_001244008.2 (MANE Select); coding-DNA position 1848, G replaced by A.
Protein change: p.Thr616=; no amino-acid change (threonine 616 retained).
Molecular consequence: synonymous variant.
Genome position (GRCh38, 1-based): chr2:240,763,267, C>T on the plus strand (G>A on the coding strand, the complement: KIF1A is on the minus strand). VCF-style: chr2-240763267-C-T. GRCh37 (hg19) VCF-style: chr2-241702684-C-T.
Other names: c.1848G>A, p.Thr616= (NM_001320705.2, NM_001330289.2, NM_001379638.1); c.1923G>A, p.Thr641= (NM_001330290.2, NM_001379631.1, NM_001379634.1 and 2 more transcripts); c.1821G>A, p.Thr607= (NM_001379632.1, NM_001379633.1, NM_001379636.1 and 10 more transcripts); c.1896G>A, p.Thr632= (NM_001379637.1, NM_001379648.1); c.1848G>A (NM_001244008.1).
Identifiers: ClinVar variation 1564208 (VCV001564208.12), dbSNP rs112191491, ClinGen allele CA2208263.

ClinVar aggregate classification (germline): Likely benign. Review status: criteria provided, multiple submitters, no conflicts (2 of 4 stars). 2 submissions from 2 submitters: Likely benign (2). Last evaluated 2025-11-23.

Conditions:
Hereditary spastic paraplegia 30. Identifiers: Orphanet 101010, MedGen C5235139, MONDO:0012476.
Neuropathy, hereditary sensory, type 2C. Also called: Hereditary sensory and autonomic neuropathy type IIC; KIF1A-Related HSAN2 (HSAN2C). Identifiers: Orphanet 970, MedGen C3280168, MONDO:0013634, OMIM 614213.
Intellectual disability, autosomal dominant 9 (NESCAVS). Also called: NESCAV SYNDROME; KIF1A-Related Neurodevelopmental Disorder. Identifiers: Orphanet 662367, MedGen C5393830, MONDO:0013656, OMIM 614255.
KIF1A-related disorder. Also called: KIF1A-related disorders; KIF1A-related condition.

Allele frequency attached by ClinVar (database versions not stated): ExAC 0.00002; gnomAD exomes 0.00002; gnomAD 0.00005 and 0.00007; ESP Exome Variant Server 0.00008; TOPMed 0.00009; 1000 Genomes Project 30x 0.00016.
gnomAD v4.1: 58 of 1,611,302 alleles (0.0036%); highest among the groups gnomAD compares: African/African-American, 0.044%; no homozygotes.

Submissions (2):

Labcorp Genetics (formerly Invitae), Labcorp
Classification: Likely benign for Hereditary spastic paraplegia 30; Neuropathy, hereditary sensory, type 2C; Intellectual disability, autosomal dominant 9. Last evaluated: 2025-11-23. Review status: criteria provided, single submitter. Criteria: Invitae Variant Classification Sherloc (09022015). Collection method: clinical testing. Allele origin: germline.

PreventionGenetics, part of Exact Sciences
Classification: Likely benign for KIF1A-related condition. Last evaluated: 2024-11-03. Review status: criteria provided, single submitter. Criteria: ACMG Guidelines, 2015. Collection method: clinical testing. Allele origin: germline.
Comment: This variant is classified as likely benign based on ACMG/AMP sequence variant interpretation guidelines (Richards et al. 2015 PMID: 25741868, with internal and published modifications).